The following is an entry in ClinVar:

NM_000222.3(KIT):c.1541-4G>A

Gene: KIT (KIT proto-oncogene, receptor tyrosine kinase; plus strand). Cytogenetic location: 4q12.
Variant type: single nucleotide variant.
Coding change: c.1541-4G>A on transcript NM_000222.3 (MANE Select); 4 bases into the intron before coding-DNA position 1541, G replaced by A.
Molecular consequence: intron variant.
Genome position (GRCh38, 1-based): chr4:54,727,214, G>A. VCF-style: chr4-54727214-G-A. GRCh37 (hg19) VCF-style: chr4-55593380-G-A.
Other names: c.1541-4G>A (NM_000222.2, NM_001385285.1); c.1544-4G>A (NM_001385284.1, NM_001385290.1); c.1532-4G>A (NM_001385288.1, NM_001385292.1); c.1529-4G>A (NM_001093772.2, NM_001385286.1).
Identifiers: ClinVar variation 1154738 (VCV001154738.11), dbSNP rs1722279035, ClinGen allele CA1458760617.

ClinVar aggregate classification (germline): Likely benign. Review status: criteria provided, multiple submitters, no conflicts (2 of 4 stars). 3 submissions from 3 submitters: Likely benign (3). Last evaluated 2026-05-27.

Conditions:
Gastrointestinal stromal tumor. Also called: Gastrointestinal stroma tumor; Gastrointestinal stromal tumor, somatic. Identifiers: Orphanet 44890, MedGen C0238198, MeSH D046152, MONDO:0011719, OMIM 606764, HP:0100723.
Hereditary cancer-predisposing syndrome. Also called: Tumor predisposition; Hereditary Cancer Syndrome; Hereditary neoplastic syndrome; Neoplastic Syndromes, Hereditary. Identifiers: Orphanet 140162, MedGen C0027672, MeSH D009386, MONDO:0015356.

Allele frequency attached by ClinVar (database versions not stated): TOPMed below 0.00001.

Submissions (3):

Myriad Genetics, Inc.
Classification: Likely benign for Gastrointestinal stromal tumor. Last evaluated: 2026-05-27. Review status: criteria provided, single submitter. Criteria: Myriad Autosomal Dominant, Autosomal Recessive and X-Linked Classification Criteria (2023). Collection method: clinical testing. Allele origin: unknown.
Comment: This variant is considered likely benign. This variant is intronic and is not expected to impact mRNA splicing.

Ambry Genetics
Classification: Likely benign for Hereditary cancer-predisposing syndrome. Last evaluated: 2025-12-17. Review status: criteria provided, single submitter. Criteria: Ambry Variant Classification Scheme 2023. Collection method: clinical testing. Allele origin: germline.

Labcorp Genetics (formerly Invitae), Labcorp
Classification: Likely benign for Gastrointestinal stromal tumor. Last evaluated: 2025-09-15. Review status: criteria provided, single submitter. Criteria: Invitae Variant Classification Sherloc (09022015). Collection method: clinical testing. Allele origin: germline.